The following is an entry in ClinVar:

ClinVar aggregate classification (germline): Uncertain significance (1 of 4 stars; one submission).

Conditions:
Cardiovascular phenotype. Identifiers: MedGen CN230736.

Submission:

Ambry Genetics
Classification: Uncertain significance for Cardiovascular phenotype. Last evaluated: 2023-05-14. Review status: criteria provided, single submitter. Criteria: Ambry Variant Classification Scheme 2023. Collection method: clinical testing. Allele origin: germline.
Comment: The p.T481I variant (also known as c.1442C>T), located in coding exon 13 of the RAF1 gene, results from a C to T substitution at nucleotide position 1442. The threonine at codon 481 is replaced by isoleucine, an amino acid with similar properties. This amino acid position is conserved. In addition, this alteration is predicted to be deleterious by in silico analysis. Since supporting evidence is limited at this time, the clinical significance of this alteration remains unclear.

NM_002880.4(RAF1):c.1442C>T (p.Thr481Ile)

Gene: RAF1 (Raf-1 proto-oncogene, serine/threonine kinase; minus strand). Cytogenetic location: 3p25.2.
Variant type: single nucleotide variant.
Coding change: c.1442C>T on transcript NM_002880.4 (MANE Select); coding-DNA position 1442, C replaced by T.
Protein change: p.Thr481Ile; replaces threonine 481 with isoleucine.
Molecular consequence: missense variant. On other transcripts: non-coding transcript variant (3).
Genome position (GRCh38, 1-based): chr3:12,585,775, G>A on the plus strand (C>T on the coding strand, the complement: RAF1 is on the minus strand). VCF-style: chr3-12585775-G-A. GRCh37 (hg19) VCF-style: chr3-12627274-G-A.
Other names: c.1502C>T, p.Thr501Ile (NM_001354689.3); c.1442C>T, p.Thr481Ile (NM_001354690.3); c.1199C>T, p.Thr400Ile (NM_001354691.3, NM_001354692.3); c.1343C>T, p.Thr448Ile (NM_001354693.3); c.1259C>T, p.Thr420Ile (NM_001354694.3); c.1100C>T, p.Thr367Ile (NM_001354695.3); short protein forms T367I, T420I, T400I, T448I, T481I, T501I.
Identifiers: ClinVar variation 2564928 (VCV002564928.2), dbSNP rs2125326409, ClinGen allele CA351499212.